The following is an entry in ClinVar:

ClinVar aggregate classification (germline): Uncertain significance (1 of 4 stars; one submission).

Allele frequency attached by ClinVar (database versions not stated): gnomAD exomes below 0.00001.

Submission:

Labcorp Genetics (formerly Invitae), Labcorp
Classification: Uncertain significance. Last evaluated: 2022-08-24. Review status: criteria provided, single submitter. Criteria: Invitae Variant Classification Sherloc (09022015). Collection method: clinical testing. Allele origin: germline.
Comment: In summary, the available evidence is currently insufficient to determine the role of this variant in disease. Therefore, it has been classified as a Variant of Uncertain Significance. This sequence change affects codon 140 of the RNF113A mRNA. It is a 'silent' change, meaning that it does not change the encoded amino acid sequence of the RNF113A protein. This variant is not present in population databases (gnomAD no frequency). This variant has not been reported in the literature in individuals affected with RNF113A-related conditions.

NM_006978.3(RNF113A):c.420C>T (p.Ile140=)

Gene: RNF113A (ring finger protein 113A; minus strand). Cytogenetic location: Xq24.
Variant type: single nucleotide variant.
Coding change: c.420C>T on transcript NM_006978.3 (MANE Select); coding-DNA position 420, C replaced by T.
Protein change: p.Ile140=; no amino-acid change (isoleucine 140 retained).
Molecular consequence: synonymous variant.
Genome position (GRCh38, 1-based): chrX:119,871,194, G>A on the plus strand (C>T on the coding strand, the complement: RNF113A is on the minus strand). VCF-style: chrX-119871194-G-A. GRCh37 (hg19) VCF-style: chrX-119005157-G-A.
Identifiers: ClinVar variation 2026876 (VCV002026876.4), dbSNP rs2521608255, ClinGen allele CA518447556.